The following is an entry in ClinVar:

NM_000235.4(LIPA):c.630T>C (p.Thr210=)

Gene: LIPA (lipase A, lysosomal acid type; minus strand). Cytogenetic location: 10q23.31.
Variant type: single nucleotide variant.
Coding change: c.630T>C on transcript NM_000235.4 (MANE Select); coding-DNA position 630, T replaced by C.
Protein change: p.Thr210=; no amino-acid change (threonine 210 retained).
Molecular consequence: synonymous variant.
Genome position (GRCh38, 1-based): chr10:89,225,137, A>G on the plus strand (T>C on the coding strand, the complement: LIPA is on the minus strand). VCF-style: chr10-89225137-A-G. GRCh37 (hg19) VCF-style: chr10-90984894-A-G.
Other names: c.630T>C, p.Thr210= (NM_001127605.3); c.282T>C, p.Thr94= (NM_001288979.2).
Identifiers: ClinVar variation 1101123 (VCV001101123.10), dbSNP rs1253166155, ClinGen allele CA470737897.

ClinVar aggregate classification (germline): Likely benign. Review status: criteria provided, multiple submitters, no conflicts (2 of 4 stars). 2 submissions from 2 submitters: Likely benign (2). Last evaluated 2024-05-08.

Conditions:
Lysosomal acid lipase deficiency. Also called: Acid cholesteryl ester hydrolase deficiency, type 2. Identifiers: Orphanet 275761, MedGen C5574740, MONDO:0800449, MONDO:0010204.
Wolman disease (WOLD). Also called: LYSOSOMAL ACID LIPASE DEFICIENCY, ACUTE INFANTILE; LYSOSOMAL ACID LIPASE DEFICIENCY, COMPLETE; LIPA DEFICIENCY, COMPLETE; LAL DEFICIENCY, COMPLETE; CHOLESTEROL ESTER HYDROLASE DEFICIENCY, COMPLETE; Infantile-Onset LAL-D (Wolman Disease). Identifiers: Orphanet 75233, MedGen C0043208, MONDO:0019148, OMIM 620151.

Allele frequency attached by ClinVar (database versions not stated): TOPMed below 0.00001; gnomAD 0.00001; gnomAD exomes 0.00001.
gnomAD v4.1: 8 of 1,614,108 alleles (0.0005%); highest among the groups gnomAD compares: Non-Finnish European, 0.00059%; no homozygotes.

Submissions (2):

GENinCode PLC
Classification: Likely benign for Lysosomal acid lipase deficiency. Last evaluated: 2024-05-08. Review status: criteria provided, single submitter. Criteria: ACMG Guidelines, 2015. Collection method: clinical testing. Allele origin: germline.
Comment: This is a synonymous (silent) variant that is not predicted by SpliceAI to impact splicing. In addition, it occurs at a nucleotide that is not conserved. Therefore this variant has been classified as Likely Benign (BP4, BP7).

Labcorp Genetics (formerly Invitae), Labcorp
Classification: Likely benign for Wolman disease. Last evaluated: 2024-01-28. Review status: criteria provided, single submitter. Criteria: Invitae Variant Classification Sherloc (09022015). Collection method: clinical testing. Allele origin: germline.